The following is an entry in ClinVar:

NM_000494.4(COL17A1):c.4201C>A (p.Pro1401Thr)

Gene: COL17A1 (collagen type XVII alpha 1 chain; minus strand). Cytogenetic location: 10q25.1.
Variant type: single nucleotide variant.
Coding change: c.4201C>A on transcript NM_000494.4 (MANE Select); coding-DNA position 4201, C replaced by A.
Protein change: p.Pro1401Thr; replaces proline 1401 with threonine.
Molecular consequence: missense variant.
Genome position (GRCh38, 1-based): chr10:104,033,331, G>T on the plus strand (C>A on the coding strand, the complement: COL17A1 is on the minus strand). VCF-style: chr10-104033331-G-T. GRCh37 (hg19) VCF-style: chr10-105793089-G-T.
Other names: short protein forms P1401T.
Identifiers: ClinVar variation 2634972 (VCV002634972.1), dbSNP rs201906751, ClinGen allele CA5677669.
Genomic context (GRCh38, chr10:104,033,331, plus strand): 5'-TGCTGTAGGCAGAGAAGACCTTGCTGATGCCGGGTGGCCCCTGTGGCCCAGGCTGGCCTG[G>T]TGGGCCCTGGACAGTGTAGGCCATCCCTTGCAGTAGGCCCTGACCTGTAAAACACCAGAG-3'
Protein context (NP_000485.3, residues 1391-1411): QGMAYTVQGP[Pro1401Thr]GQPGPQGPPG

ClinVar aggregate classification (germline): Uncertain significance (1 of 4 stars; one submission).

Conditions:
COL17A1-related disorder. Also called: COL17A1-related condition.

Allele frequency attached by ClinVar (database versions not stated): gnomAD 0.00001; TOPMed 0.00001; ExAC 0.00003; 1000 Genomes Project 30x 0.00016; 1000 Genomes Project 0.00020.
gnomAD v4.1: 31 of 1,609,376 alleles (0.0019%); highest among the groups gnomAD compares: Non-Finnish European, 0.0025%; no homozygotes.

Submission:

PreventionGenetics, part of Exact Sciences
Classification: Uncertain significance for COL17A1-related condition. Last evaluated: 2023-05-12. Review status: criteria provided, single submitter. Criteria: ACMG Guidelines, 2015. Collection method: clinical testing. Allele origin: germline.
Comment: The COL17A1 c.4201C>A variant is predicted to result in the amino acid substitution p.Pro1401Thr. To our knowledge, this variant has not been reported in the literature. This variant is reported in 0.0028% of alleles in individuals of European (Non-Finnish) descent in gnomAD. At this time, the clinical significance of this variant is uncertain due to the absence of conclusive functional and genetic evidence.